The following is an entry in ClinVar:

NM_001846.4(COL4A2):c.3818C>A (p.Pro1273His)

Gene: COL4A2 (collagen type IV alpha 2 chain; plus strand). Cytogenetic location: 13q34.
Variant type: single nucleotide variant.
Coding change: c.3818C>A on transcript NM_001846.4 (MANE Select); coding-DNA position 3818, C replaced by A.
Protein change: p.Pro1273His; replaces proline 1273 with histidine.
Molecular consequence: missense variant.
Genome position (GRCh38, 1-based): chr13:110,501,725, C>A. VCF-style: chr13-110501725-C-A. GRCh37 (hg19) VCF-style: chr13-111154072-C-A.
Other names: short protein forms P1273H.
Identifiers: ClinVar variation 1315937 (VCV001315937.2), dbSNP rs928407150, ClinGen allele CA256304148.
Genomic context (GRCh38, chr13:110,501,725, plus strand): 5'-AAGGGGAACGAGGCCCACCTGGGAGCCCAGGACTTCAGGGGTTCCCTGGTATCACACCCC[C>A]TTCCAACATCTCTGGGGCACCTGGTGACAAAGGGGCGCCAGGGATATTTGGCCTGAAAGG-3'
Protein context (NP_001837.2, residues 1263-1283): GLQGFPGITP[Pro1273His]SNISGAPGDK

ClinVar aggregate classification (germline): Uncertain significance (1 of 4 stars; one submission).

Allele frequency attached by ClinVar (database versions not stated): TOPMed below 0.00001; gnomAD 0.00001.
gnomAD v4.1: 1 of 1,613,686 alleles (0.000062%); highest among the groups gnomAD compares: Non-Finnish European, 0.000085%; no homozygotes.

Submission:

GeneDx
Classification: Uncertain significance. Last evaluated: 2019-11-07. Review status: criteria provided, single submitter. Criteria: GeneDx Variant Classification Process June 2021. Collection method: clinical testing. Allele origin: germline. Affected: yes.
Comment: In silico analysis, which includes protein predictors and evolutionary conservation, supports a deleterious effect; Has not been previously published as pathogenic or benign to our knowledge